The following is an entry in ClinVar:

ClinVar aggregate classification (germline): Conflicting classifications of pathogenicity. Review status: criteria provided, conflicting classifications (1 of 4 stars). 2 submissions from 1 submitter: Uncertain significance (1); Benign (1). Last evaluated 2018-01-13.

Conditions:
Sacral defect with anterior meningocele. Identifiers: MedGen C1838568, OMIM 600145.
Neural tube defect (NTD). Also called: Neural tube defects. Identifiers: Orphanet 3388, Orphanet 823, MedGen C0027794, MONDO:0018075, HP:0045005.

Allele frequency attached by ClinVar (database versions not stated): gnomAD below 0.00001 and 0.00007; TOPMed 0.00001; 1000 Genomes Project 0.00040; 1000 Genomes Project 30x 0.00047.

Submissions (2):

Illumina Laboratory Services, Illumina
Classification: Benign for Sacral defect with anterior meningocele. Last evaluated: 2018-01-13. Review status: criteria provided, single submitter. Criteria: ICSL Variant Classification Criteria 13 December 2019. Collection method: clinical testing. Allele origin: germline.
Comment: This variant was observed in the ICSL laboratory as part of a predisposition screen in an ostensibly healthy population. It had not been previously curated by ICSL or reported in the Human Gene Mutation Database (HGMD: prior to June 1st, 2018), and was therefore a candidate for classification through an automated scoring system. Utilizing variant allele frequency, disease prevalence and penetrance estimates, and inheritance mode, an automated score was calculated to assess if this variant is too frequent to cause the disease. Based on the score and internal cut-off values, a variant classified as benign is not then subjected to further curation. The score for this variant resulted in a classification of benign for this disease.

Illumina Laboratory Services, Illumina
Classification: Uncertain significance for Neural tube defects, susceptibility to. Last evaluated: 2018-01-13. Review status: criteria provided, single submitter. Criteria: ICSL Variant Classification Criteria 13 December 2019. Collection method: clinical testing. Allele origin: germline.

NM_138959.3(VANGL1):c.*6084C>G

Gene: VANGL1 (VANGL planar cell polarity protein 1; plus strand). Cytogenetic location: 1p13.1.
Variant type: single nucleotide variant.
Coding change: c.*6084C>G on transcript NM_138959.3 (MANE Select); 6084 bases downstream of the stop codon, C replaced by G.
Molecular consequence: 3 prime UTR variant.
Genome position (GRCh38, 1-based): chr1:115,697,463, C>G. VCF-style: chr1-115697463-C-G. GRCh37 (hg19) VCF-style: chr1-116240084-C-G.
Other names: c.*6084C>G (NM_001172411.2, NM_001172412.2).
Identifiers: ClinVar variation 292103 (VCV000292103.5), dbSNP rs536289395, ClinGen allele CA10607587.